The following is an entry in ClinVar:

ClinVar aggregate classification (germline): Uncertain significance (0 of 4 stars; one submission).

Conditions:
Osteoporosis. Identifiers: MedGen C0029456, MONDO:0005298, OMIM 166710, HP:0000939.

Allele frequency attached by ClinVar (database versions not stated): gnomAD exomes below 0.00001; gnomAD 0.00001; ExAC 0.00001.
gnomAD v4.1: 5 of 1,613,966 alleles (0.00031%); highest among the groups gnomAD compares: Admixed American, 0.0017%; no homozygotes.

Submission:

Institute of Human Genetics, University of Goettingen
Classification: Uncertain significance for Osteoporosis. Review status: no assertion criteria provided. Collection method: clinical testing. Allele origin: unknown. Inheritance: Autosomal recessive inheritance. Affected: yes. Observed: 1 compound heterozygote.
Comment: Phenotype too mild for osteogenesis imperfecta.

NM_002615.7(SERPINF1):c.336G>T (p.Leu112Phe)

Gene: SERPINF1 (serpin family F member 1; plus strand). Cytogenetic location: 17p13.3.
Variant type: single nucleotide variant.
Coding change: c.336G>T on transcript NM_002615.7 (MANE Select); coding-DNA position 336, G replaced by T.
Protein change: p.Leu112Phe; replaces leucine 112 with phenylalanine.
Molecular consequence: missense variant. On other transcripts: 5 prime UTR variant (1).
Genome position (GRCh38, 1-based): chr17:1,771,081, G>T. VCF-style: chr17-1771081-G-T. GRCh37 (hg19) VCF-style: chr17-1674375-G-T.
Other names: c.336G>T, p.Leu112Phe (NM_001329903.2); c.-226G>T (NM_001329904.2); short protein forms L112F.
Identifiers: ClinVar variation 1342995 (VCV001342995.2), dbSNP rs749212971, ClinGen allele CA8274649.